The following is an entry in ClinVar:

ClinVar aggregate classification (germline): Likely benign. Review status: criteria provided, multiple submitters, no conflicts (2 of 4 stars). 3 submissions from 3 submitters: Likely benign (2). 1 of the submissions does not count toward it. Last evaluated 2025-12-24.

Conditions:
Hereditary spastic paraplegia 30. Identifiers: Orphanet 101010, MedGen C5235139, MONDO:0012476.
Neuropathy, hereditary sensory, type 2C. Also called: Hereditary sensory and autonomic neuropathy type IIC; KIF1A-Related HSAN2 (HSAN2C). Identifiers: Orphanet 970, MedGen C3280168, MONDO:0013634, OMIM 614213.
Intellectual disability, autosomal dominant 9 (NESCAVS). Also called: KIF1A-Related Neurodevelopmental Disorder; NESCAV SYNDROME. Identifiers: Orphanet 662367, MedGen C5393830, MONDO:0013656, OMIM 614255.
KIF1A-related disorder. Also called: KIF1A-related disorders; KIF1A-related condition.

Allele frequency attached by ClinVar (database versions not stated): gnomAD 0.00001; ExAC 0.00002; TOPMed 0.00002; gnomAD exomes 0.00003.
gnomAD v4.1: 45 of 1,612,742 alleles (0.0028%); highest among the groups gnomAD compares: Admixed American, 0.0067%; no homozygotes.

Submissions (3):

Labcorp Genetics (formerly Invitae), Labcorp
Classification: Likely benign for Hereditary spastic paraplegia 30; Neuropathy, hereditary sensory, type 2C; Intellectual disability, autosomal dominant 9. Last evaluated: 2025-12-24. Review status: criteria provided, single submitter. Criteria: Invitae Variant Classification Sherloc (09022015). Collection method: clinical testing. Allele origin: germline.

Blueprint Genetics
Classification: Likely benign. Last evaluated: 2024-05-16. Review status: criteria provided, single submitter. Criteria: ACMG Guidelines, 2015. Collection method: clinical testing. Allele origin: germline.

PreventionGenetics, part of Exact Sciences
Classification: Likely benign for KIF1A-related condition. Last evaluated: 2021-06-04. Review status: no assertion criteria provided. Collection method: clinical testing. Allele origin: germline. Not counted in ClinVar's aggregate classification.
Comment: This variant is classified as likely benign based on ACMG/AMP sequence variant interpretation guidelines (Richards et al. 2015 PMID: 25741868, with internal and published modifications).

NM_001244008.2(KIF1A):c.183+8G>A

Gene: KIF1A (kinesin family member 1A; minus strand). Cytogenetic location: 2q37.3.
Variant type: single nucleotide variant.
Coding change: c.183+8G>A on transcript NM_001244008.2 (MANE Select); 8 bases into the intron after coding-DNA position 183, G replaced by A.
Molecular consequence: intron variant.
Genome position (GRCh38, 1-based): chr2:240,789,228, C>T on the plus strand (G>A on the coding strand, the complement: KIF1A is on the minus strand). VCF-style: chr2-240789228-C-T. GRCh37 (hg19) VCF-style: chr2-241728645-C-T.
Other names: c.183+8G>A (NM_001379653.1, NM_001379650.1, NM_001379645.1 and 21 more transcripts).
Identifiers: ClinVar variation 752551 (VCV000752551.14), dbSNP rs755604758, ClinGen allele CA2208887.